The following is an entry in ClinVar:

ClinVar aggregate classification (germline): Likely pathogenic (0 of 4 stars; one submission).

Conditions:
Imerslund-Grasbeck syndrome. Also called: PERNICIOUS ANEMIA, JUVENILE, DUE TO SELECTIVE INTESTINAL MALABSORPTION OF VITAMIN B12, WITH PROTEINURIA; Megaloblastic anemia due to inborn errors of metabolism; Imerslund-Gräsbeck syndrome; ENTEROCYTE COBALAMIN MALABSORPTION; ENTEROCYTE INTRINSIC FACTOR RECEPTOR, DEFECT OF. Identifiers: Orphanet 35858, MedGen C4551825, MONDO:0009853.

Submission:

Juha Muilu Group; Institute for Molecular Medicine Finland (FIMM)
Classification: Likely pathogenic for Megaloblastic anemia due to inborn errors of metabolism. Review status: no assertion criteria provided. Collection method: not provided. Allele origin: unknown.
Comment: FinDis database variant: This variant was not found or characterized by our laboratory, data were collected from public sources: see reference
ClinVar note: Converted during submission from probable-pathogenic to Likely pathogenic.

NM_001081.4(CUBN):c.2949C>A (p.Tyr983Ter)

Gene: CUBN (cubilin; minus strand). Cytogenetic location: 10p13.
Variant type: single nucleotide variant.
Coding change: c.2949C>A on transcript NM_001081.4 (MANE Select); coding-DNA position 2949, C replaced by A.
Protein change: p.Tyr983Ter; replaces tyrosine 983 with a stop codon.
Molecular consequence: nonsense.
Genome position (GRCh38, 1-based): chr10:17,068,123, G>T on the plus strand (C>A on the coding strand, the complement: CUBN is on the minus strand). VCF-style: chr10-17068123-G-T. GRCh37 (hg19) VCF-style: chr10-17110122-G-T.
Other names: short protein forms Y983*.
Identifiers: ClinVar variation 56332 (VCV000056332.2), dbSNP rs386833779, ClinGen allele CA144274.